The following is an entry in ClinVar:

ClinVar aggregate classification (germline): Uncertain significance (1 of 4 stars; one submission).

gnomAD v4.1: 295 of 1,614,044 alleles (0.018%); highest among the groups gnomAD compares: South Asian, 0.033%; 1 homozygote.

Submission:

Labcorp Genetics (formerly Invitae), Labcorp
Classification: Uncertain significance. Last evaluated: 2024-11-21. Review status: criteria provided, single submitter. Criteria: Invitae Variant Classification Sherloc (09022015). Collection method: clinical testing. Allele origin: germline.
Comment: This sequence change replaces arginine, which is basic and polar, with cysteine, which is neutral and slightly polar, at codon 638 of the ABCB6 protein (p.Arg638Cys). This variant is present in population databases (rs761968111, gnomAD 0.04%). This variant has not been reported in the literature in individuals affected with ABCB6-related conditions. An algorithm developed to predict the effect of missense changes on protein structure and function (PolyPhen-2) suggests that this variant is likely to be disruptive. In summary, the available evidence is currently insufficient to determine the role of this variant in disease. Therefore, it has been classified as a Variant of Uncertain Significance.

NM_005689.4(ABCB6):c.1912C>T (p.Arg638Cys)

Gene: ABCB6 (ATP binding cassette subfamily B member 6 (LAN blood group); minus strand). Cytogenetic location: 2q35.
Variant type: single nucleotide variant.
Coding change: c.1912C>T on transcript NM_005689.4 (MANE Select); coding-DNA position 1912, C replaced by T.
Protein change: p.Arg638Cys; replaces arginine 638 with cysteine.
Molecular consequence: missense variant.
Genome position (GRCh38, 1-based): chr2:219,212,443, G>A on the plus strand (C>T on the coding strand, the complement: ABCB6 is on the minus strand). VCF-style: chr2-219212443-G-A. GRCh37 (hg19) VCF-style: chr2-220077165-G-A.
Other names: c.1774C>T, p.Arg592Cys (NM_001349828.2); short protein forms R638C, R592C.
Identifiers: ClinVar variation 3664717 (VCV003664717.2).